The following is an entry in ClinVar:

NM_012203.2(GRHPR):c.494G>A (p.Gly165Asp)

Gene: GRHPR (glyoxylate and hydroxypyruvate reductase; plus strand). Cytogenetic location: 9p13.2.
Variant type: single nucleotide variant.
Coding change: c.494G>A on transcript NM_012203.2 (MANE Select); coding-DNA position 494, G replaced by A.
Protein change: p.Gly165Asp; replaces glycine 165 with aspartic acid.
Molecular consequence: missense variant.
Genome position (GRCh38, 1-based): chr9:37,429,732, G>A. VCF-style: chr9-37429732-G-A. GRCh37 (hg19) VCF-style: chr9-37429729-G-A.
Other names: short protein forms G165D.
Identifiers: ClinVar variation 204235 (VCV000204235.36), dbSNP rs180177314, ClinGen allele CA275891.

ClinVar aggregate classification (germline): Pathogenic/Likely pathogenic. Review status: criteria provided, multiple submitters, no conflicts (2 of 4 stars). 17 submissions from 17 submitters: Pathogenic (12); Likely pathogenic (1). 4 of the submissions do not count toward it. Last evaluated 2026-07-07.

Conditions:
GRHPR-related disorders.
GRHPR-related disorder. Also called: GRHPR-related condition.
Primary hyperoxaluria. Identifiers: Orphanet 416, MedGen C0020501, MONDO:0002474.
Primary hyperoxaluria, type II (HP2). Also called: D-GLYCERATE DEHYDROGENASE DEFICIENCY; GLYCERIC ACIDURIA; GLYOXYLATE REDUCTASE/HYDROXYPYRUVATE REDUCTASE DEFICIENCY; OXALOSIS II; Primary hyperoxaluria type 2. Identifiers: Orphanet 416, Orphanet 93599, MedGen C0268165, MONDO:0009824, OMIM 260000. Disease mechanism: loss of function.

Allele frequency attached by ClinVar (database versions not stated): gnomAD 0.00001 and 0.00008; TOPMed 0.00001; 1000 Genomes Project 30x 0.00062; gnomAD exomes 0.00007 and 0.00012; ExAC 0.00014; 1000 Genomes Project 0.00080.
gnomAD v4.1: 111 of 1,604,618 alleles (0.0069%); highest among the groups gnomAD compares: South Asian, 0.11%; 2 homozygotes.

Submissions (17):

Medgenome Labs Ltd
Classification: Likely pathogenic for Primary hyperoxaluria, type II. Last evaluated: 2026-07-07. Review status: criteria provided, single submitter. Criteria: ACMG Guidelines, 2015. Collection method: clinical testing. Allele origin: germline. Affected: yes.

Kasturba Medical College, Manipal, Kasturba Medical College, Manipal, Manipal Academy of Higher Education, Manipal, India
Classification: Pathogenic for Primary hyperoxaluria, type II. Last evaluated: 2026-03-19. Review status: criteria provided, single submitter. Criteria: ACMG Guidelines, 2015. Collection method: research. Allele origin: paternal. Inheritance: Autosomal recessive inheritance. Affected: yes. Observed: 1 variant allele, 1 heterozygote.
Comment: This variant is observed in heterozygous state in 111 individuals (allele frequency: 0.00006918) and in two individuals in homozygous state in the gnomAD (v4.1.0) population database. This variant has been observed in 12 individuals in our in-house data of 4019 exomes. In-silico analysis tools (REVEL and CADD) predict the variant to be disease-causing and likely to affect the GRHPR protein function.

Labcorp Genetics (formerly Invitae), Labcorp
Classification: Pathogenic. Last evaluated: 2026-01-19. Review status: criteria provided, single submitter. Criteria: Invitae Variant Classification Sherloc (09022015). Collection method: clinical testing. Allele origin: germline.
Comment: This sequence change replaces glycine, which is neutral and non-polar, with aspartic acid, which is acidic and polar, at codon 165 of the GRHPR protein (p.Gly165Asp). This variant is present in population databases (rs180177314, gnomAD 0.08%). This missense change has been observed in individual(s) with primary hyperoxaluria type 2 (PMID: 24116921, 25629080, 31685312). ClinVar contains an entry for this variant (Variation ID: 204235). An algorithm developed to predict the effect of missense changes on protein structure and function (PolyPhen-2) suggests that this variant is likely to be disruptive. Experimental studies have shown that this missense change affects GRHPR function (PMID: 11030416, 14635115). For these reasons, this variant has been classified as Pathogenic.

Natera, Inc.
Classification: Pathogenic for Primary hyperoxaluria type II. Last evaluated: 2025-10-09. Review status: criteria provided, single submitter. Criteria: Natera Variant Classification Schema (03/2026). Collection method: clinical testing. Allele origin: germline.
Comment: The c.494G>A variant in GRHPR is a missense variant predicted to cause substitution of glycine to aspartic acid at amino acid 165. The frequency of this variant in the general population is greater than expected for disorder. This variant has been observed in one or more individuals affected with the associated recessive disease, as either homozygous or compound heterozygous with a second variant (PMID: 11030416, 28553045, 12185464, 37914965). Additionally, this variant has been observed to segregate in affected family members (PMID: 26342005). Functional studies show that this variant may disrupt protein function (PMID: 11030416). Computational prediction algorithms indicate this variant is likely to affect gene or protein function. Given the available evidence, this variant is classified as Pathogenic.

Rare Kidney Stone Consortium and the Mayo Clinic Hyperoxaluria Center, Mayo Clinic
Classification: Pathogenic for Primary hyperoxaluria, type II. Last evaluated: 2025-10-03. Review status: criteria provided, single submitter. Criteria: ACMG Guidelines, 2015. Collection method: research. Allele origin: germline. Affected: yes. Observed: 3 variant alleles.
Comment: ACMG:PM1, PM2, PM3, PP3, PP5

GeneDx
Classification: Pathogenic. Last evaluated: 2024-09-03. Review status: criteria provided, single submitter. Criteria: GeneDx Variant Classification Process June 2021. Collection method: clinical testing. Allele origin: germline. Affected: yes.
Comment: Published functional studies demonstrate a damaging effect (PMID: 11030416, 14635115); In silico analysis supports that this missense variant has a deleterious effect on protein structure/function; This variant is associated with the following publications: (PMID: 28660284, 11030416, 31685312, 14635115, 24116921, 14987413, 19296982, 16756993, 25629080, 35046417, 37881736, 36619171, 33752806, 38737343, 37803380)

Blueprint Genetics
Classification: Pathogenic for GRHPR-related disorders. Last evaluated: 2024-05-23. Review status: criteria provided, single submitter. Criteria: ACMG Guidelines, 2015. Collection method: clinical testing. Allele origin: germline. Affected: yes. Observed: 5 variant alleles.

Fulgent Genetics
Classification: Pathogenic for Primary hyperoxaluria, type II. Last evaluated: 2024-03-01. Review status: criteria provided, single submitter. Criteria: ACMG Guidelines, 2015. Collection method: clinical testing. Allele origin: germline.

Revvity Omics, Revvity
Classification: Pathogenic for Primary hyperoxaluria, type II. Last evaluated: 2023-11-23. Review status: criteria provided, single submitter. Criteria: ACMG Guidelines, 2015. Collection method: clinical testing. Allele origin: germline.

Women's Health and Genetics/Laboratory Corporation of America, LabCorp
Classification: Pathogenic for Primary hyperoxaluria. Last evaluated: 2017-05-26. Review status: criteria provided, single submitter. Criteria: LabCorp Variant Classification Summary - May 2015. Collection method: clinical testing. Allele origin: germline.
Comment: Variant summary: The GRHPR c.494G>A (p.Gly165Asp) variant located in the putative cofactor binding site (Cregeen_2003) involves the alteration of a conserved nucleotide and 4/4 in silico tools (SNPsandGO not captured due to low reliability index) predict a damaging outcome for this variant. Functional studies support these predictions, which the variant significantly decreases glyoxylate reductase activity (Cregeen_2003 and Webster_200). This variant was found in 17/121252 control chromosomes, predominantly observed in the South Asian cohort at a frequency of 0.000969 (16/16508), which does not exceed the estimated maximal expected allele frequency of a pathogenic GRHPR variant (0.0014434). Multiple publications have cited the variant in affected individuals. In addition, a clinical diagnostic laboratory classified this variant as pathogenic. Taken together, this variant is classified as pathogenic.

Kariminejad - Najmabadi Pathology & Genetics Center
Classification: Pathogenic for Primary hyperoxaluria, type II. Review status: criteria provided, single submitter. Criteria: ACMG Guidelines, 2015. Collection method: clinical testing. Allele origin: germline. Affected: no.

Neuberg Centre For Genomic Medicine, NCGM
Classification: Pathogenic for Primary hyperoxaluria, type II. Review status: criteria provided, single submitter. Criteria: ACMG Guidelines, 2015. Collection method: clinical testing. Allele origin: germline. Inheritance: Autosomal recessive inheritance. Affected: yes.
Comment: The observed missense c.494G>A(p.Gly165Asp) variant in GRHPR gene has been reported previously in homozygous state in individual(s) affected with Pediatric nephrolithiasis (NL) (Chatterjee et al., 2022). Experimental studies have shown that this missense change affects GRHPR function (Cregeen et al., 2003). This variant is reported with the allele frequency of 0.01% in the gnomAD Exomes. This variant has been reported to the ClinVar database as Pathogenic (multiple submissions). The amino acid Gly at position 165 is changed to a Asp changing protein sequence and it might alter its composition and physico-chemical properties. The amino acid change p.Gly165Asp in GRHPR is predicted as conserved by GERP++ and PhyloP across 100 vertebrates. Multiple lines of computational evidence (Polyphen - Possibly Damaging, SIFT - Damaging, and MutationTaster - Disease causing automatic) predict a damaging effect on protein structure and function for this variant. For these reasons, this variant has been classified as Pathogenic.

Suma Genomics
Classification: Pathogenic for Primary hyperoxaluria, type II. Review status: criteria provided, single submitter. Criteria: ACMG Guidelines, 2015. Collection method: clinical testing. Allele origin: inherited. Inheritance: Autosomal recessive inheritance. Affected: yes.

Biochemistry Department, Nishtar Medical University
Classification: Pathogenic for Primary hyperoxaluria, type II. Last evaluated: 2024-03-22. Review status: no assertion criteria provided. Collection method: clinical testing. Allele origin: inherited. Affected: yes. Observed: 2 variant alleles. Not counted in ClinVar's aggregate classification.

PreventionGenetics, part of Exact Sciences
Classification: Pathogenic for GRHPR-related condition. Last evaluated: 2023-12-11. Review status: no assertion criteria provided. Collection method: clinical testing. Allele origin: germline. Not counted in ClinVar's aggregate classification.
Comment: The GRHPR c.494G>A variant is predicted to result in the amino acid substitution p.Gly165Asp. This variant has been reported in several unrelated individuals to be causative for primary hyperoxaluria type 2 (Webster et al 2000. PubMed ID: 11030416; Cregeen et al. 2003. PubMed ID: 14635115; Takayama et al. 2014. PubMed ID: 24116921; Garrelfs et al 2019. PubMed ID: 31685312). This variant is predicted to reside in the putative cofactor binding site and was also shown in functional studies to have significantly reduced glyoxylate reductase activity (Webster et al 2000. PubMed ID: 11030416). A recent study identified this variant in 5 individuals with pediatric nephrolithiasis and demonstrated significant differences (p < 0.05) in the enzyme activity between c.494G>A peripheral mononuclear cells (PMCs) and control PMCs (Chatterjee A et al 2022. PubMed ID: 36619171). In summary, the c.494G>A variant is categorized as pathogenic.

Counsyl
Classification: Likely pathogenic for Primary hyperoxaluria, type II. Last evaluated: 2016-12-04. Review status: no assertion criteria provided. Collection method: clinical testing. Allele origin: unknown. Not counted in ClinVar's aggregate classification.

Clinical Biochemistry Laboratory, Health Services Laboratory
Classification: Pathogenic for Primary hyperoxaluria, type II. Last evaluated: 2014-11-27. Review status: no assertion criteria provided. Collection method: in vitro. Allele origin: germline. Affected: yes. Not counted in ClinVar's aggregate classification.

Literature cited by the submitters: PMC PMC9815608 (cited by Kasturba Medical College, Manipal, Kasturba Medical College, Manipal, Manipal Academy of Higher Education, Manipal, India); PubMed 24116921 (cited by Labcorp Genetics (formerly Invitae), Labcorp and Counsyl); PubMed 25629080 (cited by Labcorp Genetics (formerly Invitae), Labcorp and Counsyl); PubMed 31685312 (cited by Labcorp Genetics (formerly Invitae), Labcorp and Rare Kidney Stone Consortium and the Mayo Clinic Hyperoxaluria Center, Mayo Clinic); PubMed 11030416 (cited by 5 submitters); PubMed 14635115 (cited by Labcorp Genetics (formerly Invitae), Labcorp and Counsyl); PubMed 28553045 (cited by Natera, Inc.); PubMed 12185464 (cited by Natera, Inc.); PubMed 37914965 (cited by Natera, Inc.); PubMed 26342005 (cited by Natera, Inc.); PubMed 36619171 (cited by Rare Kidney Stone Consortium and the Mayo Clinic Hyperoxaluria Center, Mayo Clinic); PubMed 37803380 (cited by Rare Kidney Stone Consortium and the Mayo Clinic Hyperoxaluria Center, Mayo Clinic); PubMed 37881736 (cited by Rare Kidney Stone Consortium and the Mayo Clinic Hyperoxaluria Center, Mayo Clinic); PubMed 40794449 (cited by Rare Kidney Stone Consortium and the Mayo Clinic Hyperoxaluria Center, Mayo Clinic).